The following is an entry in ClinVar:

NM_001399.4(EDA):c.(?_397)_(502_?)del

Gene: EDA (ectodysplasin A; plus strand). Cytogenetic location: Xq13.1.
Variant type: Deletion.
Coding change: c.(?_397)_(502_?)del on transcript NM_001399.4; a large deletion whose breakpoints are not mapped to the base.
Identifiers: ClinVar variation 179325 (VCV000179325.4).

ClinVar aggregate classification (germline): Pathogenic (1 of 4 stars; one submission).

Conditions:
Hypohidrotic X-linked ectodermal dysplasia (XHED). Also called: ECTODERMAL DYSPLASIA, HYPOHIDROTIC, 1; CST SYNDROME; ECTODERMAL DYSPLASIA 1; Ectodermal Dysplasia 1, Anhidrotic; Anhidrotic ectodermal dysplasia X-linked; Christ Siemens Touraine syndrome. Identifiers: Orphanet 181, Orphanet 238468, MedGen C0162359, MONDO:0010585, OMIM 305100.

Submission:

Laboratory for Molecular Medicine, Mass General Brigham Personalized Medicine
Classification: Pathogenic for Hypohidrotic X-linked ectodermal dysplasia. Last evaluated: 2013-10-05. Review status: criteria provided, single submitter. Criteria: LMM Criteria. Collection method: clinical testing. Allele origin: germline. Inheritance: X-linked inheritance. Observed: 1 variant allele.
Comment: The deletion of exon 2 of EDA has been previously identified by our laboratory i n other individuals with hypohidrotic ectodermal dysplasia. In addition, single or multiple exon deletions in the EDA gene have been reported in individuals wit h XLHED, including deletions encompassing exon 2 (Kere 1996, Bayes 1998, Monreal 1998, Paakkonen 2001, Vincent 2001, Lexner 2008, Li 2008, Gros 2010, Cluzeau 20 11). This deletion is expected to lead to a truncated or absent protein. In summ ary, this variant meets our criteria to be classified as pathogenic (m.).